The following is an entry in ClinVar:

ClinVar aggregate classification (germline): Conflicting classifications of pathogenicity. Review status: criteria provided, conflicting classifications (1 of 4 stars). 4 submissions from 4 submitters: Uncertain significance (3); Likely benign (1). Last evaluated 2025-12-29.

Conditions:
LAMA2-related muscular dystrophy (LAMA2-RD). Also called: Laminin alpha 2-related dystrophy. Identifiers: MedGen C5679788, MONDO:0100228.
Merosin deficient congenital muscular dystrophy (MDC1A). Also called: Congenital merosin-deficient muscular dystrophy 1A; Congenital Muscular Dystrophy Type 1A (MDC1A). Identifiers: Orphanet 258, MedGen C1263858, MONDO:0011925, OMIM 607855.
Muscular dystrophy, limb-girdle, autosomal recessive 23. Identifiers: Orphanet 565837, MedGen C4748327, MONDO:0029136, OMIM 618138.

Allele frequency attached by ClinVar (database versions not stated): gnomAD 0.00003; gnomAD exomes 0.00003 and 0.00007; TOPMed 0.00007; ExAC 0.00008; ESP Exome Variant Server 0.00008.
gnomAD v4.1: 50 of 1,611,724 alleles (0.0031%); highest among the groups gnomAD compares: Middle Eastern, 0.016%; no homozygotes.

Submissions (4):

Labcorp Genetics (formerly Invitae), Labcorp
Classification: Likely benign for LAMA2-related muscular dystrophy. Last evaluated: 2025-12-29. Review status: criteria provided, single submitter. Criteria: Invitae Variant Classification Sherloc (09022015). Collection method: clinical testing. Allele origin: germline.

Women's Health and Genetics/Laboratory Corporation of America, LabCorp
Classification: Uncertain significance. Last evaluated: 2025-12-26. Review status: criteria provided, single submitter. Criteria: LabCorp Variant Classification Summary - May 2015. Collection method: clinical testing. Allele origin: germline.
Comment: Variant summary: LAMA2 c.5477G>A (p.Arg1826Gln) results in a conservative amino acid change in the encoded protein sequence. Algorithms developed to predict the effect of missense changes on protein structure and function all suggest that this variant is likely to be tolerated. The variant allele was found at a frequency of 7.2e-05 in 251096 control chromosomes. This frequency is not significantly higher than estimated for disease-causing variants in LAMA2, allowing no conclusion about variant significance. To our knowledge, no occurrence of c.5477G>A in individuals affected with LAMA2-related conditions and no experimental evidence demonstrating its impact on protein function have been reported. ClinVar contains an entry for this variant (Variation ID: 1516058). Based on the evidence outlined above, the variant was classified as uncertain significance.

Fulgent Genetics
Classification: Uncertain significance for Merosin deficient congenital muscular dystrophy; Muscular dystrophy, limb-girdle, autosomal recessive 23. Last evaluated: 2021-09-09. Review status: criteria provided, single submitter. Criteria: ACMG Guidelines, 2015. Collection method: clinical testing. Allele origin: unknown.

Revvity Omics, Revvity
Classification: Uncertain significance. Last evaluated: 2019-08-21. Review status: criteria provided, single submitter. Criteria: ACMG Guidelines, 2015. Collection method: clinical testing. Allele origin: germline.

NM_000426.4(LAMA2):c.5477G>A (p.Arg1826Gln)

Gene: LAMA2 (laminin subunit alpha 2; plus strand). Cytogenetic location: 6q22.33.
Variant type: single nucleotide variant.
Coding change: c.5477G>A on transcript NM_000426.4 (MANE Select); coding-DNA position 5477, G replaced by A.
Protein change: p.Arg1826Gln; replaces arginine 1826 with glutamine.
Molecular consequence: missense variant.
Genome position (GRCh38, 1-based): chr6:129,401,255, G>A. VCF-style: chr6-129401255-G-A. GRCh37 (hg19) VCF-style: chr6-129722400-G-A.
Other names: c.5477G>A, p.Arg1826Gln (NM_001079823.2); c.5477G>A (NM_000426.3); short protein forms R1826Q.
Identifiers: ClinVar variation 1516058 (VCV001516058.10), dbSNP rs373614496, ClinGen allele CA3993895.